The following is an entry in ClinVar:

ClinVar aggregate classification (germline): Conflicting classifications of pathogenicity. Review status: criteria provided, conflicting classifications (1 of 4 stars). 4 submissions from 3 submitters: Uncertain significance (2); Benign (1); Likely benign (1). Last evaluated 2025-11-23.

Conditions:
Retinitis pigmentosa (RP). Identifiers: Orphanet 791, MedGen C0035334, MeSH D012174, MONDO:0019200, OMIM 268000. Inheritance: Autosomal dominant, autosomal recessive and X linked inheritance.
Cone-rod dystrophy 10 (CORD10). Identifiers: Orphanet 1872, MedGen C1846529, MONDO:0012464, OMIM 610283.

Allele frequency attached by ClinVar (database versions not stated): gnomAD exomes 0.00003 and 0.00011; ExAC 0.00014; ESP Exome Variant Server 0.00015; gnomAD 0.00038 and 0.00039; TOPMed 0.00041; 1000 Genomes Project 0.00060; 1000 Genomes Project 30x 0.00094.
gnomAD v4.1: 106 of 1,613,758 alleles (0.0066%); highest among the groups gnomAD compares: African/African-American, 0.12%; 1 homozygote.

Submissions (4):

Labcorp Genetics (formerly Invitae), Labcorp
Classification: Uncertain significance. Last evaluated: 2025-11-23. Review status: criteria provided, single submitter. Criteria: Invitae Variant Classification Sherloc (09022015). Collection method: clinical testing. Allele origin: germline.
Comment: This sequence change replaces glycine, which is neutral and non-polar, with arginine, which is basic and polar, at codon 332 of the SEMA4A protein (p.Gly332Arg). This variant is present in population databases (rs144475266, gnomAD 0.1%), and has an allele count higher than expected for a pathogenic variant. This variant has not been reported in the literature in individuals affected with SEMA4A-related conditions. ClinVar contains an entry for this variant (Variation ID: 876464). An algorithm developed to predict the effect of missense changes on protein structure and function outputs the following: PolyPhen-2: "Benign". The arginine amino acid residue is found in multiple mammalian species, which suggests that this missense change does not adversely affect protein function. In summary, the available evidence is currently insufficient to determine the role of this variant in disease. Therefore, it has been classified as a Variant of Uncertain Significance.

Blueprint Genetics
Classification: Benign. Last evaluated: 2021-12-23. Review status: criteria provided, single submitter. Criteria: ACMG Guidelines, 2015. Collection method: clinical testing. Allele origin: germline.

Illumina Laboratory Services, Illumina
Classification: Uncertain significance for Cone-rod dystrophy 10. Last evaluated: 2018-01-13. Review status: criteria provided, single submitter. Criteria: ICSL Variant Classification Criteria 13 December 2019. Collection method: clinical testing. Allele origin: germline.

Illumina Laboratory Services, Illumina
Classification: Likely benign for Retinitis pigmentosa. Last evaluated: 2018-01-13. Review status: criteria provided, single submitter. Criteria: ICSL Variant Classification Criteria 13 December 2019. Collection method: clinical testing. Allele origin: germline.
Comment: This variant was observed in the ICSL laboratory as part of a predisposition screen in an ostensibly healthy population. It had not been previously curated by ICSL or reported in the Human Gene Mutation Database (HGMD: prior to June 1st, 2018), and was therefore a candidate for classification through an automated scoring system. Utilizing variant allele frequency, disease prevalence and penetrance estimates, and inheritance mode, an automated score was calculated to assess if this variant is too frequent to cause the disease. Based on the score and internal cut-off values, a variant classified as likely benign is not then subjected to further curation. The score for this variant resulted in a classification of likely benign for this disease.

NM_022367.4(SEMA4A):c.994G>A (p.Gly332Arg)

Gene: SEMA4A (semaphorin 4A; plus strand). Cytogenetic location: 1q22.
Variant type: single nucleotide variant.
Coding change: c.994G>A on transcript NM_022367.4 (MANE Select); coding-DNA position 994, G replaced by A.
Protein change: p.Gly332Arg; replaces glycine 332 with arginine.
Molecular consequence: missense variant.
Genome position (GRCh38, 1-based): chr1:156,162,954, G>A. VCF-style: chr1-156162954-G-A. GRCh37 (hg19) VCF-style: chr1-156132745-G-A.
Other names: c.994G>A, p.Gly332Arg (NM_001193300.2, NM_001193301.2, NM_001370567.1); c.598G>A, p.Gly200Arg (NM_001193302.2); c.697G>A, p.Gly233Arg (NM_001370568.1); c.487G>A, p.Gly163Arg (NM_001370569.1, NM_001370571.1); short protein forms G200R, G332R, G233R, G163R.
Identifiers: ClinVar variation 876464 (VCV000876464.14), dbSNP rs144475266, ClinGen allele CA1155242.